The following is an entry in ClinVar:

NM_000091.5(COL4A3):c.3372A>G (p.Lys1124=)

Genes: COL4A3 (collagen type IV alpha 3 chain; plus strand), MFF-DT (MFF divergent transcript; minus strand). Cytogenetic location: 2q36.3.
Variant type: single nucleotide variant.
Coding change: c.3372A>G on transcript NM_000091.5 (MANE Select); coding-DNA position 3372, A replaced by G.
Protein change: p.Lys1124=; no amino-acid change (lysine 1124 retained).
Molecular consequence: synonymous variant.
Genome position (GRCh38, 1-based): chr2:227,294,524, A>G. VCF-style: chr2-227294524-A-G. GRCh37 (hg19) VCF-style: chr2-228159240-A-G.
Identifiers: ClinVar variation 5006240 (VCV005006240.2).

ClinVar aggregate classification (germline): Uncertain significance (1 of 4 stars; one submission).

Conditions:
Alport syndrome 3b, autosomal recessive. Identifiers: MedGen C5882699, MONDO:0957811, OMIM 620536.
Hematuria, benign familial, 2 (BFH2). Identifiers: MedGen C5830421, MONDO:0958186, OMIM 620320.
Autosomal dominant Alport syndrome (ATS3A). Also called: ALPORT SYNDROME 3A, AUTOSOMAL DOMINANT; Alport syndrome dominant type; Renal failure and sensorineural hearing loss. Identifiers: Orphanet 63, Orphanet 88918, MedGen C5882663, MONDO:0007086, OMIM 104200.

Submission:

Juno Genomics, Hangzhou Juno Genomics, Inc
Classification: Uncertain significance for Autosomal dominant Alport syndrome; Alport syndrome 3b, autosomal recessive; Hematuria, benign familial, 2. Review status: criteria provided, single submitter. Criteria: ACMG Guidelines, 2015. Collection method: clinical testing. Allele origin: germline.
Comment: Absent from controls (or at extremely low frequency if recessive) in Genome Aggregation Database.;Multiple lines of computational evidence support a deleterious effect on the gene or gene product.